The following is an entry in ClinVar:

ClinVar aggregate classification (germline): Likely benign. Review status: criteria provided, multiple submitters, no conflicts (2 of 4 stars). 2 submissions from 2 submitters: Likely benign (2). Last evaluated 2018-01-12.

Conditions:
Gelatinous droplike corneal dystrophy (GDLD). Also called: AMYLOID CORNEAL DYSTROPHY, JAPANESE TYPE. Identifiers: Orphanet 98957, MedGen C0339273, MONDO:0008777, OMIM 204870.

Allele frequency attached by ClinVar (database versions not stated): gnomAD 0.00086 and 0.00088; 1000 Genomes Project 0.00200; TOPMed 0.00201; 1000 Genomes Project 30x 0.00219.
gnomAD v4.1: 662 of 1,430,774 alleles (0.046%); highest among the groups gnomAD compares: Admixed American, 1.3%; 8 homozygotes.

Submissions (2):

Illumina Laboratory Services, Illumina
Classification: Likely benign for Gelatinous droplike corneal dystrophy. Last evaluated: 2018-01-12. Review status: criteria provided, single submitter. Criteria: ICSL Variant Classification Criteria 13 December 2019. Collection method: clinical testing. Allele origin: germline.
Comment: This variant was observed in the ICSL laboratory as part of a predisposition screen in an ostensibly healthy population. It had not been previously curated by ICSL or reported in the Human Gene Mutation Database (HGMD: prior to June 1st, 2018), and was therefore a candidate for classification through an automated scoring system. Utilizing variant allele frequency, disease prevalence and penetrance estimates, and inheritance mode, an automated score was calculated to assess if this variant is too frequent to cause the disease. Based on the score and internal cut-off values, a variant classified as likely benign is not then subjected to further curation. The score for this variant resulted in a classification of likely benign for this disease.

Breakthrough Genomics
Classification: Likely benign. Review status: criteria provided, single submitter. Criteria: ACMG Guidelines, 2015. Collection method: not provided. Allele origin: germline. Inheritance: Autosomal recessive inheritance. Affected: yes.

NM_002353.3(TACSTD2):c.*98C>T

Gene: TACSTD2 (tumor associated calcium signal transducer 2; minus strand). Cytogenetic location: 1p32.1.
Variant type: single nucleotide variant.
Coding change: c.*98C>T on transcript NM_002353.3 (MANE Select); 98 bases downstream of the stop codon, C replaced by T.
Molecular consequence: 3 prime UTR variant.
Genome position (GRCh38, 1-based): chr1:58,576,087, G>A on the plus strand (C>T on the coding strand, the complement: TACSTD2 is on the minus strand). VCF-style: chr1-58576087-G-A. GRCh37 (hg19) VCF-style: chr1-59041759-G-A.
Identifiers: ClinVar variation 297760 (VCV000297760.6), dbSNP rs72672295, ClinGen allele CA10611309.